The following is an entry in ClinVar:

NM_198253.3(TERT):c.949T>C (p.Trp317Arg)

Gene: TERT (telomerase reverse transcriptase; minus strand). Cytogenetic location: 5p15.33.
Variant type: single nucleotide variant.
Coding change: c.949T>C on transcript NM_198253.3 (MANE Select); coding-DNA position 949, T replaced by C.
Protein change: p.Trp317Arg; replaces tryptophan 317 with arginine.
Molecular consequence: missense variant. On other transcripts: non-coding transcript variant (2).
Genome position (GRCh38, 1-based): chr5:1,293,937, A>G on the plus strand (T>C on the coding strand, the complement: TERT is on the minus strand). VCF-style: chr5-1293937-A-G. GRCh37 (hg19) VCF-style: chr5-1294052-A-G.
Other names: c.949T>C, p.Trp317Arg (NM_001193376.3, NM_003219.1); short protein forms W317R.
Identifiers: ClinVar variation 2131042 (VCV002131042.4), dbSNP rs2478417192, ClinGen allele CA359056098.
Genomic context (GRCh38, chr5:1,293,937, plus strand): 5'-CGCCTGAGGAGTAGAGGAAGTGCTTGGTCTCGGCGTACACCGGGGGACAAGGCGTGTCCC[A>G]GGGACGTGGTGGCCGCGATGTGGATGGGGGGCCCGCGTGGTGCTGGCGGCCCACGGATGG-3'
Protein context (NP_937983.2, residues 307-327): PPSTSRPPRP[Trp317Arg]DTPCPPVYAE

ClinVar aggregate classification (germline): Uncertain significance (1 of 4 stars; one submission).

Conditions:
Idiopathic Pulmonary Fibrosis. Also called: Idiopathic fibrosing alveolitis, chronic form; idiopathic fibrosing alveolitis. Identifiers: Orphanet 2032, MedGen C1800706, MeSH D054990, MONDO:0800504.
Dyskeratosis congenita, autosomal dominant 2. Identifiers: MedGen C3151443, MONDO:0013521, OMIM 613989.

Allele frequency attached by ClinVar (database versions not stated): gnomAD exomes below 0.00001.
gnomAD v4.1: 1 of 1,545,070 alleles (0.000065%); highest among the groups gnomAD compares: South Asian, 0.0012%; no homozygotes.

Submission:

Labcorp Genetics (formerly Invitae), Labcorp
Classification: Uncertain significance for Dyskeratosis congenita, autosomal dominant 2; Idiopathic Pulmonary Fibrosis. Last evaluated: 2022-04-28. Review status: criteria provided, single submitter. Criteria: Invitae Variant Classification Sherloc (09022015). Collection method: clinical testing. Allele origin: germline.
Comment: This sequence change replaces tryptophan, which is neutral and slightly polar, with arginine, which is basic and polar, at codon 317 of the TERT protein (p.Trp317Arg). In summary, the available evidence is currently insufficient to determine the role of this variant in disease. Therefore, it has been classified as a Variant of Uncertain Significance. Advanced modeling of protein sequence and biophysical properties (such as structural, functional, and spatial information, amino acid conservation, physicochemical variation, residue mobility, and thermodynamic stability) performed at Invitae indicates that this missense variant is not expected to disrupt TERT protein function. This variant has not been reported in the literature in individuals affected with TERT-related conditions. This variant is not present in population databases (gnomAD no frequency).